The following is an entry in ClinVar:

ClinVar aggregate classification (germline): Benign (1 of 4 stars; one submission).

Conditions:
Lynch syndrome 4 (LYNCH4). Also called: Colorectal cancer, hereditary nonpolyposis, type 4; Hereditary non-polyposis colorectal cancer, type 4. Identifiers: Orphanet 144, MedGen C1838333, MONDO:0013699, OMIM 614337. Disease mechanism: loss of function.

Submission:

Myriad Genetics, Inc.
Classification: Benign for Lynch syndrome 4. Last evaluated: 2025-01-24. Review status: criteria provided, single submitter. Criteria: Myriad Autosomal Dominant, Autosomal Recessive and X-Linked Classification Criteria (2023). Collection method: clinical testing. Allele origin: unknown.
Comment: This variant is considered benign. This variant is a silent/synonymous amino acid change and it is not expected to impact splicing.

NM_000535.7(PMS2):c.441C>A (p.Thr147=)

Gene: PMS2 (PMS1 homolog 2, mismatch repair system component; minus strand). Cytogenetic location: 7p22.1.
Variant type: single nucleotide variant.
Coding change: c.441C>A on transcript NM_000535.7 (MANE Select); coding-DNA position 441, C replaced by A.
Protein change: p.Thr147=; no amino-acid change (threonine 147 retained).
Molecular consequence: synonymous variant. On other transcripts: 5 prime UTR variant (2), non-coding transcript variant (1), intron variant (1).
Genome position (GRCh38, 1-based): chr7:6,002,549, G>T on the plus strand (C>A on the coding strand, the complement: PMS2 is on the minus strand). VCF-style: chr7-6002549-G-T. GRCh37 (hg19) VCF-style: chr7-6042180-G-T.
Other names: c.36C>A, p.Thr12= (NM_001322003.2, NM_001322004.2, NM_001322005.2 and 24 more transcripts); c.441C>A, p.Thr147= (NM_001322006.2, NM_001322014.2, NM_001406869.1 and 8 more transcripts); c.123C>A, p.Thr41= (NM_001322007.2, NM_001322008.2, NM_001406876.1 and 4 more transcripts); c.-444C>A (NM_001322011.2, NM_001322012.2); c.132C>A, p.Thr44= (NM_001322015.2, NM_001406875.1, NM_001406877.1 and 6 more transcripts); c.627C>A, p.Thr209= (NM_001406866.1); c.465C>A, p.Thr155= (NM_001406868.1); c.250+1423C>A (NM_001406885.1).
Identifiers: ClinVar variation 3903567 (VCV003903567.1).